The following is an entry in ClinVar:

NM_000530.8(MPZ):c.171G>A (p.Trp57Ter)

Gene: MPZ (myelin protein zero; minus strand). Cytogenetic location: 1q23.3.
Variant type: single nucleotide variant.
Coding change: c.171G>A on transcript NM_000530.8 (MANE Select); coding-DNA position 171, G replaced by A.
Protein change: p.Trp57Ter; replaces tryptophan 57 with a stop codon.
Molecular consequence: nonsense.
Genome position (GRCh38, 1-based): chr1:161,307,321, C>T on the plus strand (G>A on the coding strand, the complement: MPZ is on the minus strand). VCF-style: chr1-161307321-C-T. GRCh37 (hg19) VCF-style: chr1-161277111-C-T.
Other names: c.171G>A, p.Trp57Ter (NM_001315491.2); short protein forms W57*.
Identifiers: ClinVar variation 1070662 (VCV001070662.7), dbSNP rs2102259979, ClinGen allele CA343350878.

ClinVar aggregate classification (germline): Pathogenic (1 of 4 stars; one submission).

Conditions:
Charcot-Marie-Tooth disease, type I (CMT1). Also called: Charcot-Marie-Tooth disease type 1; Charcot-Marie-Tooth, Type 1. Identifiers: Orphanet 65753, MedGen C0751036, MONDO:0019011.

Submission:

Labcorp Genetics (formerly Invitae), Labcorp
Classification: Pathogenic for Charcot-Marie-Tooth disease, type I. Last evaluated: 2020-01-24. Review status: criteria provided, single submitter. Criteria: Invitae Variant Classification Sherloc (09022015). Collection method: clinical testing. Allele origin: germline.
Comment: This variant has not been reported in the literature in individuals with MPZ-related conditions. Loss-of-function variants in MPZ are known to be pathogenic (PMID: 14711881). For these reasons, this variant has been classified as Pathogenic. This variant is not present in population databases (ExAC no frequency). This sequence change creates a premature translational stop signal (p.Trp57*) in the MPZ gene. It is expected to result in an absent or disrupted protein product.

Literature cited by the submitters: PubMed 14711881.